The following is an entry in ClinVar:

ClinVar aggregate classification (germline): Uncertain significance. Review status: criteria provided, multiple submitters, no conflicts (2 of 4 stars). 6 submissions from 6 submitters: Uncertain significance (5). 1 of the submissions does not count toward it. Last evaluated 2026-06-02.

Conditions:
Inborn genetic diseases. Identifiers: MedGen C0950123, MeSH D030342.
MYO7A-related disorder. Also called: MYO7A-related disorders.
Usher syndrome type 1B (USH1B). Also called: Usher syndrome type IB. Identifiers: MedGen C1848638, MONDO:0700087.

Allele frequency attached by ClinVar (database versions not stated): ExAC below 0.00001; gnomAD 0.00001; gnomAD exomes 0.00001 and 0.00003; TOPMed 0.00004.
gnomAD v4.1: 8 of 1,550,564 alleles (0.00052%); highest among the groups gnomAD compares: Admixed American, 0.015%; no homozygotes.

Submissions (6):

PreventionGenetics, part of Exact Sciences
Classification: Uncertain significance for MYO7A-related condition. Last evaluated: 2026-06-02. Review status: criteria provided, single submitter. Criteria: ACMG Guidelines, 2015. Collection method: clinical testing. Allele origin: germline.
Comment: The MYO7A c.2420A>C variant is predicted to result in the amino acid substitution p.His807Pro. To our knowledge, this variant has not been reported in the literature. This variant is reported in 0.020% of alleles in individuals of Latino descent in gnomAD. At this time, the clinical significance of this variant is uncertain due to the absence of conclusive functional and genetic evidence.

GeneDx
Classification: Uncertain significance. Last evaluated: 2026-04-01. Review status: criteria provided, single submitter. Criteria: GeneDx Variant Classification Process June 2021. Collection method: clinical testing. Allele origin: germline.
Comment: In silico analysis supports that this missense variant has a deleterious effect on protein structure/function; Has not been previously published as pathogenic or benign to our knowledge

Labcorp Genetics (formerly Invitae), Labcorp
Classification: Uncertain significance. Last evaluated: 2025-08-02. Review status: criteria provided, single submitter. Criteria: Invitae Variant Classification Sherloc (09022015). Collection method: clinical testing. Allele origin: germline.
Comment: This sequence change replaces histidine, which is basic and polar, with proline, which is neutral and non-polar, at codon 807 of the MYO7A protein (p.His807Pro). This variant is present in population databases (rs782585520, gnomAD 0.02%). This variant has not been reported in the literature in individuals affected with MYO7A-related conditions. ClinVar contains an entry for this variant (Variation ID: 991224). Invitae Evidence Modeling of protein sequence and biophysical properties (such as structural, functional, and spatial information, amino acid conservation, physicochemical variation, residue mobility, and thermodynamic stability) indicates that this missense variant is not expected to disrupt MYO7A protein function with a negative predictive value of 95%. In summary, the available evidence is currently insufficient to determine the role of this variant in disease. Therefore, it has been classified as a Variant of Uncertain Significance.

Ambry Genetics
Classification: Uncertain significance for Inborn genetic diseases. Last evaluated: 2022-05-31. Review status: criteria provided, single submitter. Criteria: Ambry Variant Classification Scheme 2023. Collection method: clinical testing. Allele origin: germline.

Blueprint Genetics
Classification: Uncertain significance. Last evaluated: 2019-01-18. Review status: criteria provided, single submitter. Criteria: ACMG Guidelines, 2015. Collection method: clinical testing. Allele origin: germline.

Natera, Inc.
Classification: Uncertain significance for Usher syndrome type 1B. Last evaluated: 2020-04-16. Review status: no assertion criteria provided. Collection method: clinical testing. Allele origin: germline. Not counted in ClinVar's aggregate classification.

NM_000260.4(MYO7A):c.2420A>C (p.His807Pro)

Gene: MYO7A (myosin VIIA; plus strand). Cytogenetic location: 11q13.5.
Variant type: single nucleotide variant.
Coding change: c.2420A>C on transcript NM_000260.4 (MANE Select); coding-DNA position 2420, A replaced by C.
Protein change: p.His807Pro; replaces histidine 807 with proline.
Molecular consequence: missense variant.
Genome position (GRCh38, 1-based): chr11:77,179,787, A>C. VCF-style: chr11-77179787-A-C. GRCh37 (hg19) VCF-style: chr11-76890833-A-C.
Other names: c.2420A>C, p.His807Pro (NM_001127180.2); c.2387A>C, p.His796Pro (NM_001369365.1); c.2420A>C (NM_000260.3); short protein forms H796P, H807P.
Identifiers: ClinVar variation 991224 (VCV000991224.9), dbSNP rs782585520, ClinGen allele CA6197839.